The following is an entry in ClinVar:

NM_058216.3(RAD51C):c.1006A>C (p.Thr336Pro)

Gene: RAD51C (RAD51 paralog C; plus strand). Cytogenetic location: 17q22.
Variant type: single nucleotide variant.
Coding change: c.1006A>C on transcript NM_058216.3 (MANE Select); coding-DNA position 1006, A replaced by C.
Protein change: p.Thr336Pro; replaces threonine 336 with proline.
Molecular consequence: missense variant. On other transcripts: non-coding transcript variant (1).
Genome position (GRCh38, 1-based): chr17:58,732,524, A>C. VCF-style: chr17-58732524-A-C. GRCh37 (hg19) VCF-style: chr17-56809885-A-C.
Other names: short protein forms T336P.
Identifiers: ClinVar variation 409832 (VCV000409832.22), dbSNP rs772344354, ClinGen allele CA8677386.
Genomic context (GRCh38, chr17:58,732,524, plus strand): 5'-TATTCTTTTTCTTTAAGCAGGTTGGCAACATTGTACAAGTCACCCAGCCAGAAGGAATGC[A>C]CAGTACTGTTTCAAATCAAAGTCAGTATTATTTGATTAGAGTGGGATTTTGATATTGATG-3'
Protein context (NP_478123.1, residues 326-346): LYKSPSQKEC[Thr336Pro]VLFQIKPQGF

ClinVar aggregate classification (germline): Uncertain significance. Review status: criteria provided, multiple submitters, no conflicts (2 of 4 stars). 4 submissions from 4 submitters: Uncertain significance (4). Last evaluated 2026-01-19.

Conditions:
Hereditary cancer-predisposing syndrome. Also called: Hereditary neoplastic syndrome; Neoplastic Syndromes, Hereditary; Tumor predisposition; Hereditary Cancer Syndrome. Identifiers: Orphanet 140162, MedGen C0027672, MeSH D009386, MONDO:0015356.
Fanconi anemia complementation group O. Also called: RAD51C-Related Fanconi Anemia. Identifiers: Orphanet 84, MedGen C3150653, MONDO:0013248, OMIM 613390.

Allele frequency attached by ClinVar (database versions not stated): ExAC 0.00001; gnomAD exomes 0.00001 and 0.00002; TOPMed 0.00001; gnomAD 0.00003.

Submissions (4):

Labcorp Genetics (formerly Invitae), Labcorp
Classification: Uncertain significance for Fanconi anemia complementation group O. Last evaluated: 2026-01-19. Review status: criteria provided, single submitter. Criteria: Invitae Variant Classification Sherloc (09022015). Collection method: clinical testing. Allele origin: germline.
Comment: This sequence change replaces threonine, which is neutral and polar, with proline, which is neutral and non-polar, at codon 336 of the RAD51C protein (p.Thr336Pro). This variant is present in population databases (rs772344354, gnomAD 0.007%). This missense change has been observed in individual(s) with ovarian and/or breast cancer (PMID: 26261251, 34326862, 36099300). ClinVar contains an entry for this variant (Variation ID: 409832). Invitae Evidence Modeling of protein sequence and biophysical properties (such as structural, functional, and spatial information, amino acid conservation, physicochemical variation, residue mobility, and thermodynamic stability) indicates that this missense variant is not expected to disrupt RAD51C protein function with a negative predictive value of 80%. Experimental studies have shown that this missense change affects RAD51C function (PMID: 37253112). In summary, the available evidence is currently insufficient to determine the role of this variant in disease. Therefore, it has been classified as a Variant of Uncertain Significance.

Color Diagnostics, LLC DBA Color Health
Classification: Uncertain significance for Hereditary cancer-predisposing syndrome. Last evaluated: 2025-07-29. Review status: criteria provided, single submitter. Criteria: ACMG Guidelines, 2015. Collection method: clinical testing. Allele origin: germline.
Comment: This missense variant replaces threonine with proline at codon 336 of the RAD51C protein. Computational prediction suggests that this variant may not impact protein structure and function. To our knowledge, functional studies have not been reported for this variant. This variant has been reported in an individual affected with ovarian cancer (PMID: 26261251). This variant has also been identified in 3/282810 chromosomes in the general population by the Genome Aggregation Database (gnomAD). The available evidence is insufficient to determine the role of this variant in disease conclusively. Therefore, this variant is classified as a Variant of Uncertain Significance.

Ambry Genetics
Classification: Uncertain significance for Hereditary cancer-predisposing syndrome. Last evaluated: 2024-12-31. Review status: criteria provided, single submitter. Criteria: Ambry Variant Classification Scheme 2023. Collection method: clinical testing. Allele origin: germline.
Comment: The p.T336P variant (also known as c.1006A>C), located in coding exon 8 of the RAD51C gene, results from an A to C substitution at nucleotide position 1006. The threonine at codon 336 is replaced by proline, an amino acid with highly similar properties. This variant has been reported in 1/3,429 patients with invasive epithelial ovarian cancer (EOC) and was not seen in any of the 2,772 controls or 2,000 additional unaffected women who were BRCA1/BRCA2 mutation-negative (Song H et al. J. Clin. Oncol., 2015 Sep;33:2901-7). In a homology-directed DNA repair (HDR) assay, this alteration showed a functionally abnormal read-out; however, in a PARP inhibitor and cisplatin sensitivity assay, this alteration showed a functionally indeterminant read-out (Hu C et al. Cancer Res, 2023 Aug;83:2557-2571). This amino acid position is well conserved in available vertebrate species. In addition, the in silico prediction for this alteration is inconclusive. Based on the available evidence, the clinical significance of this variant remains unclear.

GeneDx
Classification: Uncertain significance. Last evaluated: 2018-11-14. Review status: criteria provided, single submitter. Criteria: GeneDx Variant Classification (06012015). Collection method: clinical testing. Allele origin: germline. Affected: yes.
Comment: This variant is denoted RAD51C c.1006A>C at the cDNA level, p.Thr336Pro (T336P) at the protein level, and results in the change of a Threonine to a Proline (ACA>CCA). This variant has been observed in at least one individual with epithelial ovarian cancer (Song 2015). RAD51C Thr336Pro was not observed at a significant allele frequency in large population cohorts (Lek 2016). This variant is located in the region interaction with RAB51B, RAD51D,XRCC3 (Miller 2004). In silico analysis, which includes protein predictors and evolutionary conservation, supports a deleterious effect. Based on currently available evidence, it is unclear whether RAD51C Thr336Pro is a pathogenic or benign variant. We consider it to be a variant of uncertain significance.

Literature cited by the submitters: PubMed 26261251 (cited by 3 submitters); PubMed 34326862 (cited by Labcorp Genetics (formerly Invitae), Labcorp); PubMed 36099300 (cited by Labcorp Genetics (formerly Invitae), Labcorp); PubMed 37253112 (cited by Labcorp Genetics (formerly Invitae), Labcorp and Ambry Genetics).